The following is an entry in ClinVar:

ClinVar aggregate classification (germline): Likely benign. Review status: criteria provided, single submitter (1 of 4 stars). 2 submissions from 2 submitters: Likely benign (1). 1 of the submissions does not count toward it. Last evaluated 2025-12-13.

Conditions:
PPP2R1A-related disorder.

Allele frequency attached by ClinVar (database versions not stated): 1000 Genomes Project 30x 0.00016; 1000 Genomes Project 0.00020; ExAC 0.00032; gnomAD exomes 0.00039 and 0.00061; ESP Exome Variant Server 0.00046; gnomAD 0.00048 and 0.00050; TOPMed 0.00048.
gnomAD v4.1: 952 of 1,611,802 alleles (0.059%); highest among the groups gnomAD compares: Non-Finnish European, 0.074%; no homozygotes.

Submissions (2):

Labcorp Genetics (formerly Invitae), Labcorp
Classification: Likely benign. Last evaluated: 2025-12-13. Review status: criteria provided, single submitter. Criteria: Invitae Variant Classification Sherloc (09022015). Collection method: clinical testing. Allele origin: germline.

PreventionGenetics, part of Exact Sciences
Classification: Likely benign for PPP2R1A-related condition. Last evaluated: 2019-06-26. Review status: no assertion criteria provided. Collection method: clinical testing. Allele origin: germline. Not counted in ClinVar's aggregate classification.
Comment: This variant is classified as likely benign based on ACMG/AMP sequence variant interpretation guidelines (Richards et al. 2015 PMID: 25741868, with internal and published modifications).

NM_014225.6(PPP2R1A):c.504-10C>T

Gene: PPP2R1A (protein phosphatase 2 scaffold subunit Aalpha; plus strand). Cytogenetic location: 19q13.41.
Variant type: single nucleotide variant.
Coding change: c.504-10C>T on transcript NM_014225.6 (MANE Select); 10 bases into the intron before coding-DNA position 504, C replaced by T.
Molecular consequence: intron variant.
Genome position (GRCh38, 1-based): chr19:52,212,676, C>T. VCF-style: chr19-52212676-C-T. GRCh37 (hg19) VCF-style: chr19-52715929-C-T.
Other names: c.-34-10C>T (NM_001363656.2); c.504-10C>T (NM_014225.5).
Identifiers: ClinVar variation 1563132 (VCV001563132.10), dbSNP rs200753254, ClinGen allele CA9621363.
Genomic context (GRCh38, chr19:52,212,676, plus strand): 5'-TGCAGAGTCTGTGCTTGCTCCTCTCTGCCATACTGCCTGCTGCCTCAGGATCCCCGTCCC[C>T]GACTCCCAGGTACTTCCGGAACCTGTGCTCAGATGACACCCCCATGGTGCGGCGGGCCGC-3'